The following is an entry in ClinVar:

NM_006846.4(SPINK5):c.209+72C>A

Gene: SPINK5 (serine peptidase inhibitor Kazal type 5; plus strand). Cytogenetic location: 5q32.
Variant type: single nucleotide variant.
Coding change: c.209+72C>A on transcript NM_006846.4 (MANE Select); 72 bases into the intron after coding-DNA position 209, C replaced by A.
Molecular consequence: intron variant.
Genome position (GRCh38, 1-based): chr5:148,070,522, C>A. VCF-style: chr5-148070522-C-A. GRCh37 (hg19) VCF-style: chr5-147450085-C-A.
Other names: c.209+72C>A (NM_001127698.2, NM_001127699.2).
Identifiers: ClinVar variation 1237263 (VCV001237263.5), dbSNP rs3752676, ClinGen allele CA11984294.
Genomic context (GRCh38, chr5:148,070,522, plus strand): 5'-TTTCTTTCTTTCTTTCCAATGTTTGAGTTAACAGCTAGTCTCTGAACTGGTAAATGTATT[C>A]TTTTTCTTTCAAGTGCATTTTTCTAAACCGAAATGGTTAAATAAAAGTGCTGAGCAGATC-3'

ClinVar aggregate classification (germline): Benign. Review status: criteria provided, multiple submitters, no conflicts (2 of 4 stars). 2 submissions from 2 submitters: Benign (2). Last evaluated 2024-01-24.

Allele frequency attached by ClinVar (database versions not stated): gnomAD 0.70739 and 0.71427; TOPMed 0.72414; 1000 Genomes Project 0.80611; 1000 Genomes Project 30x 0.80621.
gnomAD v4.1: 1,053,160 of 1,584,200 alleles (66%); highest among the groups gnomAD compares: East Asian, 91%; 356,130 homozygotes.

Submissions (2):

Unidad de Genómica Garrahan, Hospital de Pediatría Garrahan
Classification: Benign. Last evaluated: 2024-01-24. Review status: criteria provided, single submitter. Criteria: ACMG Guidelines, 2015. Collection method: clinical testing. Allele origin: germline. Affected: no. Observed: 82 variant alleles.
Comment: This variant is classified as Benign based on local population frequency. This variant was detected in 93% of patients studied by a panel of primary immunodeficiencies. Number of patients: 82. Only high quality variants are reported.

GeneDx
Classification: Benign. Last evaluated: 2015-03-03. Review status: criteria provided, single submitter. Criteria: GeneDx Variant Classification Process June 2021. Collection method: clinical testing. Allele origin: germline. Affected: yes.